The following is an entry in ClinVar:

ClinVar aggregate classification (germline): Uncertain significance (1 of 4 stars; one submission).

Conditions:
Gorlin syndrome. Also called: Nevoid Basal Cell Carcinoma Syndrome; Basal cell nevus syndrome. Identifiers: Orphanet 377, MedGen C0004779, MONDO:0007187.

Allele frequency attached by ClinVar (database versions not stated): ExAC 0.00001; gnomAD 0.00001; gnomAD exomes 0.00001; TOPMed 0.00001.
gnomAD v4.1: 10 of 1,611,438 alleles (0.00062%); highest among the groups gnomAD compares: Middle Eastern, 0.033%; no homozygotes.

Submission:

Labcorp Genetics (formerly Invitae), Labcorp
Classification: Uncertain significance for Gorlin syndrome. Last evaluated: 2022-11-14. Review status: criteria provided, single submitter. Criteria: Invitae Variant Classification Sherloc (09022015). Collection method: clinical testing. Allele origin: germline.
Comment: This variant is present in population databases (rs565736030, gnomAD 0.006%). In summary, the available evidence is currently insufficient to determine the role of this variant in disease. Therefore, it has been classified as a Variant of Uncertain Significance. Advanced modeling of protein sequence and biophysical properties (such as structural, functional, and spatial information, amino acid conservation, physicochemical variation, residue mobility, and thermodynamic stability) performed at Invitae indicates that this missense variant is not expected to disrupt PTCH2 protein function. This variant has not been reported in the literature in individuals affected with PTCH2-related conditions. This sequence change replaces leucine, which is neutral and non-polar, with phenylalanine, which is neutral and non-polar, at codon 692 of the PTCH2 protein (p.Leu692Phe).

NM_003738.5(PTCH2):c.2074C>T (p.Leu692Phe)

Gene: PTCH2 (patched 2; minus strand). Cytogenetic location: 1p34.1.
Variant type: single nucleotide variant.
Coding change: c.2074C>T on transcript NM_003738.5 (MANE Select); coding-DNA position 2074, C replaced by T.
Protein change: p.Leu692Phe; replaces leucine 692 with phenylalanine.
Molecular consequence: missense variant.
Genome position (GRCh38, 1-based): chr1:44,827,699, G>A on the plus strand (C>T on the coding strand, the complement: PTCH2 is on the minus strand). VCF-style: chr1-44827699-G-A. GRCh37 (hg19) VCF-style: chr1-45293371-G-A.
Other names: c.2074C>T, p.Leu692Phe (NM_001166292.2); short protein forms L692F.
Identifiers: ClinVar variation 2981533 (VCV002981533.3), dbSNP rs565736030, ClinGen allele CA823104.